The following is an entry in ClinVar:

ClinVar aggregate classification (germline): Uncertain significance (1 of 4 stars; one submission).

Allele frequency attached by ClinVar (database versions not stated): gnomAD exomes below 0.00001; gnomAD 0.00001; TOPMed 0.00001; ExAC 0.00002.
gnomAD v4.1: 6 of 1,612,922 alleles (0.00037%); highest among the groups gnomAD compares: Admixed American, 0.0067%; no homozygotes.

Submission:

Labcorp Genetics (formerly Invitae), Labcorp
Classification: Uncertain significance. Last evaluated: 2022-11-08. Review status: criteria provided, single submitter. Criteria: Invitae Variant Classification Sherloc (09022015). Collection method: clinical testing. Allele origin: germline.
Comment: Advanced modeling of protein sequence and biophysical properties (such as structural, functional, and spatial information, amino acid conservation, physicochemical variation, residue mobility, and thermodynamic stability) performed at Invitae indicates that this missense variant is not expected to disrupt LRP5 protein function. In summary, the available evidence is currently insufficient to determine the role of this variant in disease. Therefore, it has been classified as a Variant of Uncertain Significance. This variant has not been reported in the literature in individuals affected with LRP5-related conditions. This variant is present in population databases (rs766376965, gnomAD 0.009%). This sequence change replaces leucine, which is neutral and non-polar, with phenylalanine, which is neutral and non-polar, at codon 903 of the LRP5 protein (p.Leu903Phe).

NM_002335.4(LRP5):c.2707C>T (p.Leu903Phe)

Gene: LRP5 (LDL receptor related protein 5; plus strand). Cytogenetic location: 11q13.2.
Variant type: single nucleotide variant.
Coding change: c.2707C>T on transcript NM_002335.4 (MANE Select); coding-DNA position 2707, C replaced by T.
Protein change: p.Leu903Phe; replaces leucine 903 with phenylalanine.
Molecular consequence: missense variant.
Genome position (GRCh38, 1-based): chr11:68,413,892, C>T. VCF-style: chr11-68413892-C-T. GRCh37 (hg19) VCF-style: chr11-68181360-C-T.
Other names: c.964C>T, p.Leu322Phe (NM_001291902.2); short protein forms L322F, L903F.
Identifiers: ClinVar variation 2780791 (VCV002780791.3), dbSNP rs766376965, ClinGen allele CA6149715.